The following is an entry in ClinVar:

NM_032119.4(ADGRV1):c.16279G>A (p.Val5427Met)

Gene: ADGRV1 (adhesion G protein-coupled receptor V1; plus strand). Cytogenetic location: 5q14.3.
Variant type: single nucleotide variant.
Coding change: c.16279G>A on transcript NM_032119.4 (MANE Select); coding-DNA position 16279, G replaced by A.
Protein change: p.Val5427Met; replaces valine 5427 with methionine.
Molecular consequence: missense variant. On other transcripts: non-coding transcript variant (1).
Genome position (GRCh38, 1-based): chr5:90,823,507, G>A. VCF-style: chr5-90823507-G-A. GRCh37 (hg19) VCF-style: chr5-90119324-G-A.
Other names: short protein forms V5427M.
Identifiers: ClinVar variation 46285 (VCV000046285.34), dbSNP rs2438378, ClinGen allele CA138057.

ClinVar aggregate classification (germline): Benign. Review status: criteria provided, multiple submitters, no conflicts (2 of 4 stars). 12 submissions from 12 submitters: Benign (9). 3 of the submissions do not count toward it. Last evaluated 2026-06-12.

Conditions:
Usher syndrome type 2C. Also called: Usher syndrome, type 2B; USHER SYNDROME, TYPE IIC. Identifiers: Orphanet 231178, Orphanet 886, MedGen C2931213, MONDO:0011558, OMIM 605472.

Allele frequency attached by ClinVar (database versions not stated): TOPMed 0.96998; ESP Exome Variant Server 0.97210; 1000 Genomes Project 30x 0.97220; 1000 Genomes Project 0.97224; gnomAD exomes 0.99720 and 0.99305; gnomAD 0.97114 and 0.97324; ExAC 0.99201.
gnomAD v4.1: 1,605,518 of 1,613,940 alleles (99%); highest among the groups gnomAD compares: East Asian, 100%; 798,880 homozygotes.

Submissions (12):

Women's Health and Genetics/Laboratory Corporation of America, LabCorp
Classification: Benign. Last evaluated: 2026-06-12. Review status: criteria provided, single submitter. Criteria: LabCorp Variant Classification Summary - May 2015. Collection method: clinical testing. Allele origin: germline.

Labcorp Genetics (formerly Invitae), Labcorp
Classification: Benign. Last evaluated: 2026-02-04. Review status: criteria provided, single submitter. Criteria: Invitae Variant Classification Sherloc (09022015). Collection method: clinical testing. Allele origin: germline.

Genome-Nilou Lab
Classification: Benign for Usher syndrome type 2C. Last evaluated: 2021-08-10. Review status: criteria provided, single submitter. Criteria: ACMG Guidelines, 2015. Collection method: clinical testing. Allele origin: germline. Affected: no.

Mayo Clinic Laboratories, Mayo Clinic
Classification: Benign. Last evaluated: 2019-05-15. Review status: criteria provided, single submitter. Criteria: ACMG Guidelines, 2015. Collection method: clinical testing. Allele origin: germline. Observed: 159 variant alleles.

Illumina Laboratory Services, Illumina
Classification: Benign for Usher syndrome type 2C. Last evaluated: 2018-01-13. Review status: criteria provided, single submitter. Criteria: ICSL Variant Classification Criteria 13 December 2019. Collection method: clinical testing. Allele origin: germline.
Comment: This variant was observed in the ICSL laboratory as part of a predisposition screen in an ostensibly healthy population. It had not been previously curated by ICSL or reported in the Human Gene Mutation Database (HGMD: prior to June 1st, 2018), and was therefore a candidate for classification through an automated scoring system. Utilizing variant allele frequency, disease prevalence and penetrance estimates, and inheritance mode, an automated score was calculated to assess if this variant is too frequent to cause the disease. Based on the score and internal cut-off values, a variant classified as benign is not then subjected to further curation. The score for this variant resulted in a classification of benign for this disease.

GeneDx
Classification: Benign. Last evaluated: 2015-03-03. Review status: criteria provided, single submitter. Criteria: GeneDx Variant Classification Process June 2021. Collection method: clinical testing. Allele origin: germline. Affected: yes.

Eurofins Ntd Llc (ga)
Classification: Benign. Last evaluated: 2014-07-15. Review status: criteria provided, single submitter. Criteria: EGL Classification Definitions 2015. Collection method: clinical testing. Allele origin: germline. Observed: 2 variant alleles, 2 homozygotes.

Laboratory for Molecular Medicine, Mass General Brigham Personalized Medicine
Classification: Benign. Last evaluated: 2012-04-10. Review status: criteria provided, single submitter. Criteria: LMM Criteria. Collection method: clinical testing. Allele origin: germline. Observed: 1,799 variant alleles.

PreventionGenetics, part of Exact Sciences
Classification: Benign. Review status: criteria provided, single submitter. Criteria: ACMG Guidelines, 2015. Collection method: clinical testing. Allele origin: germline.

Diagnostic Laboratory, Department of Genetics, University Medical Center Groningen
Classification: Benign. Review status: no assertion criteria provided. Collection method: clinical testing. Allele origin: germline. Affected: yes. Study: VKGL Data-share Consensus. Not counted in ClinVar's aggregate classification.

Genetic Services Laboratory, University of Chicago
Classification: Likely benign. Review status: no assertion criteria provided. Collection method: clinical testing. Allele origin: germline. Inheritance: Autosomal dominant inheritance. Not counted in ClinVar's aggregate classification.
Comment: Likely benign based on allele frequency in 1000 Genomes Project or ESP global frequency and its presence in a patient with a rare or unrelated disease phenotype. NOT Sanger confirmed

Joint Genome Diagnostic Labs from Nijmegen and Maastricht, Radboudumc and MUMC+
Classification: Benign. Review status: no assertion criteria provided. Collection method: clinical testing. Allele origin: germline. Affected: yes. Study: VKGL Data-share Consensus. Not counted in ClinVar's aggregate classification.